The following is an entry in ClinVar:

NM_022455.5(NSD1):c.6463+5G>C

Gene: NSD1 (nuclear receptor binding SET domain protein 1; plus strand). Cytogenetic location: 5q35.3.
Variant type: single nucleotide variant.
Coding change: c.6463+5G>C on transcript NM_022455.5 (MANE Select); 5 bases into the intron after coding-DNA position 6463, G replaced by C.
Molecular consequence: intron variant.
Genome position (GRCh38, 1-based): chr5:177,292,163, G>C. VCF-style: chr5-177292163-G-C. GRCh37 (hg19) VCF-style: chr5-176719164-G-C.
Other names: c.6463+5G>C (NM_001409301.1, NM_001409302.1, NM_001409303.1); c.6043+5G>C (NM_001409304.1); c.5710+5G>C (NM_001409305.1); c.5701+5G>C (NM_001409306.1, NM_001409307.1); c.5590+5G>C (NM_001409308.1, NM_172349.5, NM_001365684.2); c.5341+5G>C (NM_001409309.1).
Identifiers: ClinVar variation 373053 (VCV000373053.2), dbSNP rs1057518175, ClinGen allele CA16042596.
Genomic context (GRCh38, chr5:177,292,163, plus strand): 5'-AGGCTGCCCAAAAGTTTACCACGCAGACTGTCTCAATCTGACCAAGCGACCAGCAGGTTG[G>C]TGCCAAAATCCATTTGTACCGCTACTCGTTCTCTCCATCATACTCAGGGTCTCATGCCAT-3'

ClinVar aggregate classification (germline): Pathogenic (1 of 4 stars; one submission).

Submission:

GeneDx
Classification: Pathogenic. Last evaluated: 2016-11-01. Review status: criteria provided, single submitter. Criteria: GeneDx Variant Classification (06012015). Collection method: clinical testing. Allele origin: germline. Affected: yes.
Comment: The de novo c.6463+5G>C pathogenic variant in the NSD1 gene has not been reported previously as a pathogenic variant, nor as a benign variant, to our knowledge. This variant is predicted to damage or destroy the natural splice donor site of intron 22, and is expected to cause abnormal gene splicing. The c.6463+5G>C variant was not observed in approximately 6,500 individuals of European and African American ancestry in the NHLBI Exome Sequencing Project, indicating it is not a common benign variant in these populations. We interpret c.6463+5G>C as a pathogenic variant.